The following is an entry in ClinVar:

ClinVar aggregate classification (germline): Likely pathogenic (1 of 4 stars; one submission).

Submission:

Labcorp Genetics (formerly Invitae), Labcorp
Classification: Likely pathogenic. Last evaluated: 2018-05-18. Review status: criteria provided, single submitter. Criteria: Invitae Variant Classification Sherloc (09022015). Collection method: clinical testing. Allele origin: germline.
Comment: Algorithms developed to predict the effect of sequence changes on RNA splicing suggest that this variant may disrupt the consensus splice site, but this prediction has not been confirmed by published transcriptional studies. In summary, the currently available evidence indicates that the variant is pathogenic, but additional data are needed to prove that conclusively. Therefore, this variant has been classified as Likely Pathogenic. Donor and acceptor splice site variants typically lead to a loss of protein function (PMID: 16199547), and loss-of-function variants in ATP2C1 are known to be pathogenic (PMID: 10615129, 10767338, 11841554). This variant has not been reported in the literature in individuals with ATP2C1-related disease. This variant is not present in population databases (ExAC no frequency). This sequence change affects a donor splice site in intron 18 of the ATP2C1 gene. It is expected to disrupt RNA splicing and likely results in an absent or disrupted protein product.

Literature cited by the submitters: PubMed 16199547; PubMed 10615129; PubMed 10767338; PubMed 11841554.

NM_001378687.1(ATP2C1):c.1741+1G>A

Gene: ATP2C1 (ATPase secretory pathway Ca2+ transporting 1; plus strand). Cytogenetic location: 3q22.1.
Variant type: single nucleotide variant.
Coding change: c.1741+1G>A on transcript NM_001378687.1 (MANE Select); the canonical splice donor site of the intron after coding-DNA position 1741, G replaced by A.
Molecular consequence: splice donor variant.
Genome position (GRCh38, 1-based): chr3:130,979,420, G>A. VCF-style: chr3-130979420-G-A. GRCh37 (hg19) VCF-style: chr3-130698264-G-A.
Other names: c.1843+1G>A (NM_001378511.1, NM_001199180.2, NM_001199181.3); c.1726+1G>A (NM_001199182.2); c.1741+1G>A (NM_001001486.2, NM_001001487.2, NM_001001485.3 and 5 more transcripts); c.1693+1G>A (NM_001378514.1, NM_001199183.2, NM_001199184.3).
Identifiers: ClinVar variation 1067425 (VCV001067425.7), dbSNP rs2108772656, ClinGen allele CA354534364.